The following is an entry in ClinVar:

NM_001172509.2(SATB2):c.1481_1491del (p.Glu494fs)

Gene: SATB2 (SATB homeobox 2; minus strand). Cytogenetic location: 2q33.1.
Variant type: Deletion.
Coding change: c.1481_1491del on transcript NM_001172509.2 (MANE Select); coding-DNA positions 1481 to 1491, 11 bases deleted (AGATGAAAAGG).
Protein change: p.Glu494fs; shifts the reading frame from glutamic acid 494.
Molecular consequence: frameshift variant.
Genome position (GRCh38, 1-based): chr2:199,323,854-199,323,864, CCTTTTCATCT deleted on the plus strand (AGATGAAAAGG on the coding strand, the reverse complement: SATB2 is on the minus strand); deleting any 11 consecutive bases within chr2:199,323,854-199,323,867 gives the same sequence; the c. name uses the placement nearest the transcript's 3' end. VCF-style (leftmost placement, unchanged base first): chr2-199323853-CCCTTTTCATCT-C. GRCh37 (hg19) VCF-style: chr2-200188576-CCCTTTTCATCT-C.
Other names: c.1481_1491del, p.Glu494fs (NM_001172517.1, NM_015265.4); short protein forms E494fs.
Identifiers: ClinVar variation 2866712 (VCV002866712.3), dbSNP rs2468860840, ClinGen allele CA2739279594.
Genomic context (GRCh38, chr2:199,323,853, plus strand): 5'-AACCACTCACCTGACTTTTATTTGCAGCCACTTTGGCAAACAGGGCTTGAGACACCTTGG[CCCTTTTCATCT>C]CCTGTTGGATCTCGTCATAAATGGCAGCTGTGATGTTGATGTTGGCGCCGTCCACCTTAA-3'

ClinVar aggregate classification (germline): Pathogenic (1 of 4 stars; one submission).

Conditions:
Chromosome 2q32-q33 deletion syndrome (GLASS). Also called: 2q33.1 deletion syndrome; Glass syndrome. Identifiers: Orphanet 251019, MedGen C2676739, MONDO:0012864, OMIM 612313.

Submission:

Labcorp Genetics (formerly Invitae), Labcorp
Classification: Pathogenic for Chromosome 2q32-q33 deletion syndrome. Last evaluated: 2023-05-21. Review status: criteria provided, single submitter. Criteria: Invitae Variant Classification Sherloc (09022015). Collection method: clinical testing. Allele origin: germline.
Comment: For these reasons, this variant has been classified as Pathogenic. This variant has not been reported in the literature in individuals affected with SATB2-related conditions. This variant is not present in population databases (gnomAD no frequency). This sequence change creates a premature translational stop signal (p.Glu494Glyfs*15) in the SATB2 gene. It is expected to result in an absent or disrupted protein product. Loss-of-function variants in SATB2 are known to be pathogenic (PMID: 25885067).

Literature cited by the submitters: PubMed 25885067.